The following is an entry in ClinVar:

ClinVar aggregate classification (germline): Uncertain significance. Review status: no assertion criteria provided (0 of 4 stars). 2 submissions from 1 submitter: Uncertain significance (1). 1 of the submissions does not count toward it.

Allele frequency attached by ClinVar (database versions not stated): gnomAD exomes below 0.00001.
gnomAD v4.1: 1 of 1,211,727 alleles (0.000083%); highest among the groups gnomAD compares: Non-Finnish European, 0.00011%; no homozygotes.

Submissions (2):

Richard Lifton Laboratory, Yale University School of Medicine
Classification: Uncertain significance. Review status: no assertion criteria provided. Collection method: not provided. Allele origin: somatic.
Comment: GABRE:p.T325T
ClinVar note: Converted during submission from unknown to Uncertain significance.

Richard Lifton Laboratory, Yale University School of Medicine
Classification: Uncertain significance. Review status: flagged submission. Collection method: not provided. Allele origin: somatic. Not counted in ClinVar's aggregate classification.
ClinVar note: Converted during submission from unknown to Uncertain significance.
ClinVar note: Reason: This record appears to be redundant with a more recent record from the same submitter.
ClinVar note: Notes: SCV000120073 appears to be redundant with SCV000155177.

NM_004961.4(GABRE):c.975C>A (p.Thr325=)

Gene: GABRE (gamma-aminobutyric acid type A receptor subunit epsilon; minus strand). Cytogenetic location: Xq28.
Variant type: single nucleotide variant.
Coding change: c.975C>A on transcript NM_004961.4 (MANE Select); coding-DNA position 975, C replaced by A.
Protein change: p.Thr325=; no amino-acid change (threonine 325 retained).
Molecular consequence: synonymous variant.
Genome position (GRCh38, 1-based): chrX:151,955,530, G>T on the plus strand (C>A on the coding strand, the complement: GABRE is on the minus strand). VCF-style: chrX-151955530-G-T. GRCh37 (hg19) VCF-style: chrX-151124002-G-T.
Identifiers: ClinVar variation 100849 (VCV000100849.2), dbSNP rs483352728, ClinGen allele CA229123.